The following is an entry in ClinVar:

ClinVar aggregate classification (germline): Uncertain significance (1 of 4 stars; one submission).

Conditions:
Diamond-Blackfan anemia. Also called: Blackfan Diamond syndrome; Aregenerative anemia chronic congenital; Red cell aplasia, pure hereditary; Congenital hypoplastic anemia; Aase syndrome. Identifiers: Orphanet 124, MedGen C1260899, MeSH D029503, MONDO:0015253, HP:0004810.

gnomAD v4.1: 3 of 1,613,826 alleles (0.00019%); highest among the groups gnomAD compares: Non-Finnish European, 0.00025%; no homozygotes.

Submission:

Labcorp Genetics (formerly Invitae), Labcorp
Classification: Uncertain significance for Diamond-Blackfan anemia. Last evaluated: 2020-11-12. Review status: criteria provided, single submitter. Criteria: Invitae Variant Classification Sherloc (09022015). Collection method: clinical testing. Allele origin: germline.
Comment: In summary, the available evidence is currently insufficient to determine the role of this variant in disease. Therefore, it has been classified as a Variant of Uncertain Significance. Algorithms developed to predict the effect of missense changes on protein structure and function (SIFT, PolyPhen-2, Align-GVGD) all suggest that this variant is likely to be tolerated, but these predictions have not been confirmed by published functional studies and their clinical significance is uncertain. This variant has not been reported in the literature in individuals with RPL26-related conditions. This variant is not present in population databases (ExAC no frequency). This sequence change replaces methionine with valine at codon 47 of the RPL26 protein (p.Met47Val). The methionine residue is highly conserved and there is a small physicochemical difference between methionine and valine.

NM_000987.5(RPL26):c.139A>G (p.Met47Val)

Gene: RPL26 (ribosomal protein L26; minus strand). Cytogenetic location: 17p13.1.
Variant type: single nucleotide variant.
Coding change: c.139A>G on transcript NM_000987.5 (MANE Select); coding-DNA position 139, A replaced by G.
Protein change: p.Met47Val; replaces methionine 47 with valine.
Molecular consequence: missense variant.
Genome position (GRCh38, 1-based): chr17:8,382,172, T>C on the plus strand (A>G on the coding strand, the complement: RPL26 is on the minus strand). VCF-style: chr17-8382172-T-C. GRCh37 (hg19) VCF-style: chr17-8285490-T-C.
Other names: c.139A>G, p.Met47Val (NM_001315530.2, NM_001315531.2); short protein forms M47V.
Identifiers: ClinVar variation 1374020 (VCV001374020.8), dbSNP rs2151675468, ClinGen allele CA398017010.